The following is an entry in ClinVar:

NM_000147.5(FUCA1):c.1000A>T (p.Asn334Tyr)

Gene: FUCA1 (alpha-L-fucosidase 1; minus strand). Cytogenetic location: 1p36.11.
Variant type: single nucleotide variant.
Coding change: c.1000A>T on transcript NM_000147.5 (MANE Select); coding-DNA position 1000, A replaced by T.
Protein change: p.Asn334Tyr; replaces asparagine 334 with tyrosine.
Molecular consequence: missense variant. On other transcripts: non-coding transcript variant (4).
Genome position (GRCh38, 1-based): chr1:23,848,809, T>A on the plus strand (A>T on the coding strand, the complement: FUCA1 is on the minus strand). VCF-style: chr1-23848809-T-A. GRCh37 (hg19) VCF-style: chr1-24175299-T-A.
Other names: short protein forms N334Y.
Identifiers: ClinVar variation 2733865 (VCV002733865.6), dbSNP rs776913133, ClinGen allele CA686378.

ClinVar aggregate classification (germline): Conflicting classifications of pathogenicity. Review status: criteria provided, conflicting classifications (1 of 4 stars). 3 submissions from 3 submitters: Pathogenic (1); Likely pathogenic (1); Uncertain significance (1). Last evaluated 2025-11-17.

Conditions:
Fucosidosis. Also called: ALPHA-L-FUCOSIDASE DEFICIENCY. Identifiers: Orphanet 349, MedGen C0016788, MONDO:0009254, OMIM 230000.

Allele frequency attached by ClinVar (database versions not stated): gnomAD 0.00001; ExAC 0.00003; gnomAD exomes 0.00001; TOPMed 0.00001.
gnomAD v4.1: 7 of 1,614,074 alleles (0.00043%); highest among the groups gnomAD compares: Non-Finnish European, 0.00059%; no homozygotes.

Submissions (3):

Labcorp Genetics (formerly Invitae), Labcorp
Classification: Pathogenic for Fucosidosis. Last evaluated: 2025-11-17. Review status: criteria provided, single submitter. Criteria: Invitae Variant Classification Sherloc (09022015). Collection method: clinical testing. Allele origin: germline.
Comment: This sequence change replaces asparagine, which is neutral and polar, with tyrosine, which is neutral and polar, at codon 334 of the FUCA1 protein (p.Asn334Tyr). This variant is present in population databases (rs776913133, gnomAD 0.004%). This missense change has been observed in individual(s) with fucosidosis (PMID: 9039984). This variant is also known as N329Y. ClinVar contains an entry for this variant (Variation ID: 2733865). Invitae Evidence Modeling of protein sequence and biophysical properties (such as structural, functional, and spatial information, amino acid conservation, physicochemical variation, residue mobility, and thermodynamic stability) indicates that this missense variant is expected to disrupt FUCA1 protein function with a positive predictive value of 95%. For these reasons, this variant has been classified as Pathogenic.

3billion
Classification: Uncertain significance for Fucosidosis. Last evaluated: 2025-04-24. Review status: criteria provided, single submitter. Criteria: ACMG Guidelines, 2015. Collection method: clinical testing. Allele origin: germline. Affected: yes.

Women's Health and Genetics/Laboratory Corporation of America, LabCorp
Classification: Likely pathogenic for Fucosidosis. Last evaluated: 2025-04-15. Review status: criteria provided, single submitter. Criteria: LabCorp Variant Classification Summary - May 2015. Collection method: clinical testing. Allele origin: germline.
Comment: Variant summary: FUCA1 c.1000A>T (p.Asn334Tyr) results in a non-conservative amino acid change in the encoded protein sequence. Five of five in-silico tools predict a damaging effect of the variant on protein function. The variant allele was found at a frequency of 1.6e-05 in 251274 control chromosomes (gnomAD). c.1000A>T has been observed in a homozygous individual affected with Fucosidosis (Cragg_1997). These data indicate that the variant may be associated with disease. Experimental evidence using fibroblast cells from the patient showed that they had 2% of wild type alpha-fucosidase activity. The following publication has been ascertained in the context of this evaluation (PMID: 9039984). ClinVar contains an entry for this variant (Variation ID: 2733865). Based on the evidence outlined above, the variant was classified as likely pathogenic.

Literature cited by the submitters: PubMed 9039984 (cited by 3 submitters).